The following is an entry in ClinVar:

ClinVar aggregate classification (germline): Uncertain significance (1 of 4 stars; one submission).

gnomAD v4.1: 2 of 1,613,776 alleles (0.00012%); highest among the groups gnomAD compares: Admixed American, 0.0033%; no homozygotes.

Submission:

Labcorp Genetics (formerly Invitae), Labcorp
Classification: Uncertain significance. Last evaluated: 2022-07-06. Review status: criteria provided, single submitter. Criteria: Invitae Variant Classification Sherloc (09022015). Collection method: clinical testing. Allele origin: germline.
Comment: In summary, the available evidence is currently insufficient to determine the role of this variant in disease. Therefore, it has been classified as a Variant of Uncertain Significance. Advanced modeling of protein sequence and biophysical properties (such as structural, functional, and spatial information, amino acid conservation, physicochemical variation, residue mobility, and thermodynamic stability) performed at Invitae indicates that this missense variant is not expected to disrupt FAT4 protein function. This variant has not been reported in the literature in individuals affected with FAT4-related conditions. This variant is present in population databases (no rsID available, gnomAD 0.003%). This sequence change replaces arginine, which is basic and polar, with leucine, which is neutral and non-polar, at codon 1801 of the FAT4 protein (p.Arg1801Leu).

NM_001291303.3(FAT4):c.5402G>T (p.Arg1801Leu)

Gene: FAT4 (FAT atypical cadherin 4; plus strand). Cytogenetic location: 4q28.1.
Variant type: single nucleotide variant.
Coding change: c.5402G>T on transcript NM_001291303.3 (MANE Select); coding-DNA position 5402, G replaced by T.
Protein change: p.Arg1801Leu; replaces arginine 1801 with leucine.
Molecular consequence: missense variant.
Genome position (GRCh38, 1-based): chr4:125,406,974, G>T. VCF-style: chr4-125406974-G-T. GRCh37 (hg19) VCF-style: chr4-126328129-G-T.
Other names: c.5402G>T, p.Arg1801Leu (NM_001291285.3, NM_024582.6); short protein forms R1801L.
Identifiers: ClinVar variation 2172272 (VCV002172272.4), dbSNP rs753037535, ClinGen allele CA358122603.